The following is an entry in ClinVar:

ClinVar aggregate classification (germline): Pathogenic (3 of 4 stars; one submission).

Conditions:
Lynch syndrome. Identifiers: Orphanet 144, MedGen C4552100, MONDO:0005835. Disease mechanism: loss of function.

Submission:

International Society for Gastrointestinal Hereditary Tumours (InSiGHT)
Classification: Pathogenic for Lynch Syndrome. Last evaluated: 2013-09-05. Review status: reviewed by expert panel. Criteria: Guidelines v1.9. Collection method: research. Allele origin: germline.
Comment: Large deletion

Classified with v1.9 guidelines

NM_000535.5(PMS2):c.904-?_(*160_?)del

Gene: PMS2 (PMS1 homolog 2, mismatch repair system component; minus strand). Cytogenetic location: 7p22.1.
Variant type: Deletion.
Coding change: c.904-?_(*160_?)del on transcript NM_000535.5.
Other names: c.904-?_(*160_?)del (LRG_161t1).
Identifiers: ClinVar variation 91378 (VCV000091378.2).